The following is an entry in ClinVar:

ClinVar aggregate classification (germline): Uncertain significance. Review status: criteria provided, multiple submitters, no conflicts (2 of 4 stars). 2 submissions from 2 submitters: Uncertain significance (2). Last evaluated 2022-01-27.

Conditions:
Primary ciliary dyskinesia. Also called: Ciliary dyskinesia. Identifiers: Orphanet 244, MedGen C0008780, MONDO:0016575, HP:0012265.

Allele frequency attached by ClinVar (database versions not stated): gnomAD 0.00002; gnomAD exomes 0.00002; TOPMed 0.00002.
gnomAD v4.1: 32 of 1,613,798 alleles (0.002%); highest among the groups gnomAD compares: Non-Finnish European, 0.0026%; no homozygotes.

Submissions (2):

Labcorp Genetics (formerly Invitae), Labcorp
Classification: Uncertain significance for Primary ciliary dyskinesia. Last evaluated: 2022-01-27. Review status: criteria provided, single submitter. Criteria: Invitae Variant Classification Sherloc (09022015). Collection method: clinical testing. Allele origin: germline.
Comment: This sequence change replaces threonine, which is neutral and polar, with isoleucine, which is neutral and non-polar, at codon 544 of the DNAAF1 protein (p.Thr544Ile). This variant is present in population databases (rs200046262, gnomAD 0.002%). This variant has not been reported in the literature in individuals affected with DNAAF1-related conditions. Algorithms developed to predict the effect of missense changes on protein structure and function (SIFT, PolyPhen-2, Align-GVGD) all suggest that this variant is likely to be tolerated. In summary, the available evidence is currently insufficient to determine the role of this variant in disease. Therefore, it has been classified as a Variant of Uncertain Significance.

Ambry Genetics
Classification: Uncertain significance for Primary ciliary dyskinesia. Last evaluated: 2021-10-05. Review status: criteria provided, single submitter. Criteria: Ambry Variant Classification Scheme 2023. Collection method: clinical testing. Allele origin: germline.
Comment: The p.T544I variant (also known as c.1631C>T), located in coding exon 9 of the DNAAF1 gene, results from a C to T substitution at nucleotide position 1631. The threonine at codon 544 is replaced by isoleucine, an amino acid with similar properties. This amino acid position is conserved. In addition, this alteration is predicted to be tolerated by in silico analysis. Since supporting evidence is limited at this time, the clinical significance of this alteration remains unclear.

NM_178452.6(DNAAF1):c.1631C>T (p.Thr544Ile)

Gene: DNAAF1 (dynein axonemal assembly factor 1; plus strand). Cytogenetic location: 16q24.1.
Variant type: single nucleotide variant.
Coding change: c.1631C>T on transcript NM_178452.6 (MANE Select); coding-DNA position 1631, C replaced by T.
Protein change: p.Thr544Ile; replaces threonine 544 with isoleucine.
Molecular consequence: missense variant.
Genome position (GRCh38, 1-based): chr16:84,172,362, C>T. VCF-style: chr16-84172362-C-T. GRCh37 (hg19) VCF-style: chr16-84205968-C-T.
Other names: c.923C>T, p.Thr308Ile (NM_001318756.1); short protein forms T544I, T308I.
Identifiers: ClinVar variation 1776836 (VCV001776836.4), dbSNP rs200046262, ClinGen allele CA285525983.